The following is an entry in ClinVar:

ClinVar aggregate classification (germline): Conflicting classifications of pathogenicity. Review status: criteria provided, conflicting classifications (1 of 4 stars). 3 submissions from 2 submitters: Uncertain significance (2); Likely benign (1). Last evaluated 2021-05-21.

Conditions:
Isolated microphthalmia 2. Identifiers: Orphanet 2542, MedGen C1864720, MONDO:0012409, OMIM 610093.
Microphthalmia, isolated, with coloboma 3 (MCOPCB3). Also called: MICROPHTHALMIA/COLOBOMA 3; MICROPHTHALMIA, COLOBOMATOUS, 3. Identifiers: Orphanet 98938, MedGen C1864721, MONDO:0012408, OMIM 610092.

Allele frequency attached by ClinVar (database versions not stated): 1000 Genomes Project 30x 0.00531; 1000 Genomes Project 0.00539; TOPMed 0.00662.

Submissions (3):

GeneDx
Classification: Likely benign. Last evaluated: 2021-05-21. Review status: criteria provided, single submitter. Criteria: GeneDx Variant Classification Process June 2021. Collection method: clinical testing. Allele origin: germline. Affected: yes.
Comment: See Variant Classification Assertion Criteria.

Illumina Laboratory Services, Illumina
Classification: Uncertain significance for Microphthalmia, isolated, with coloboma 3. Last evaluated: 2018-01-13. Review status: criteria provided, single submitter. Criteria: ICSL Variant Classification Criteria 13 December 2019. Collection method: clinical testing. Allele origin: germline.

Illumina Laboratory Services, Illumina
Classification: Uncertain significance for Isolated microphthalmia 2. Last evaluated: 2018-01-13. Review status: criteria provided, single submitter. Criteria: ICSL Variant Classification Criteria 13 December 2019. Collection method: clinical testing. Allele origin: germline.

NM_182894.3(VSX2):c.*1161C>A

Gene: VSX2 (visual system homeobox 2; plus strand). Cytogenetic location: 14q24.3.
Variant type: single nucleotide variant.
Coding change: c.*1161C>A on transcript NM_182894.3 (MANE Select); 1161 bases downstream of the stop codon, C replaced by A.
Molecular consequence: 3 prime UTR variant.
Genome position (GRCh38, 1-based): chr14:74,262,080, C>A. VCF-style: chr14-74262080-C-A. GRCh37 (hg19) VCF-style: chr14-74728783-C-A.
Identifiers: ClinVar variation 314219 (VCV000314219.6), dbSNP rs147524933, ClinGen allele CA10640908.